The following is an entry in ClinVar:

NM_001164508.2(NEB):c.12992_12994dup (p.Trp4332Ter)

Gene: NEB (nebulin; minus strand). Cytogenetic location: 2q23.3.
Variant type: Duplication.
Coding change: c.12992_12994dup on transcript NM_001164508.2 (MANE Select); coding-DNA positions 12992 to 12994, 3 bases duplicated (AGT; older notation c.12992_12994dupAGT).
Protein change: p.Trp4332Ter; replaces tryptophan 4332 with a stop codon.
Molecular consequence: nonsense. On other transcripts: intron variant (1).
Genome position (GRCh38, 1-based): chr2:151,604,625-151,604,627, ACT duplicated on the plus strand (AGT on the coding strand, the reverse complement: NEB is on the minus strand). VCF-style (leftmost placement, unchanged base first): chr2-151604624-C-CACT. GRCh37 (hg19) VCF-style: chr2-152461138-C-CACT.
Other names: c.12992_12994dup, p.Trp4332Ter (NM_001164507.2, NM_001271208.2); c.11601+5182_11601+5184dup (NM_004543.5); short protein forms W4332*.
Identifiers: ClinVar variation 4058527 (VCV004058527.2).

ClinVar aggregate classification (germline): Likely pathogenic (1 of 4 stars; one submission).

Conditions:
Nemaline myopathy 2 (NEM2). Also called: Nemaline myopathy 2, autosomal recessive. Identifiers: MedGen C1850569, MONDO:0009725, OMIM 256030.

Submission:

Natera, Inc.
Classification: Likely pathogenic for Nemaline myopathy type 2. Last evaluated: 2025-04-14. Review status: criteria provided, single submitter. Criteria: Natera Variant Classification Schema (03/2026). Collection method: clinical testing. Allele origin: germline.
Comment: The c.12992_12994dup variant in NEB is an in-frame duplication. This variant is expected to result in nonsense mediated decay, truncation, or a dysfunctional protein product. This variant is rare in the general population with a frequency below the threshold expected for the associated phenotype(s). Given the available evidence, this variant is classified as Likely Pathogenic.